The following is an entry in ClinVar:

ClinVar aggregate classification (germline): Uncertain significance (1 of 4 stars; one submission).

Allele frequency attached by ClinVar (database versions not stated): gnomAD 0.00001; gnomAD exomes 0.00001; TOPMed 0.00002.
gnomAD v4.1: 15 of 1,614,036 alleles (0.00093%); highest among the groups gnomAD compares: Non-Finnish European, 0.0012%; no homozygotes.

Submission:

Labcorp Genetics (formerly Invitae), Labcorp
Classification: Uncertain significance. Last evaluated: 2022-04-28. Review status: criteria provided, single submitter. Criteria: Invitae Variant Classification Sherloc (09022015). Collection method: clinical testing. Allele origin: germline.
Comment: This sequence change replaces asparagine, which is neutral and polar, with histidine, which is basic and polar, at codon 210 of the EXOSC9 protein (p.Asn210His). This variant is present in population databases (no rsID available, gnomAD 0.0009%). This variant has not been reported in the literature in individuals affected with EXOSC9-related conditions. Algorithms developed to predict the effect of missense changes on protein structure and function are either unavailable or do not agree on the potential impact of this missense change (SIFT: "Tolerated"; PolyPhen-2: "Possibly Damaging"; Align-GVGD: "Class C0"). In summary, the available evidence is currently insufficient to determine the role of this variant in disease. Therefore, it has been classified as a Variant of Uncertain Significance.

NM_005033.3(EXOSC9):c.628A>C (p.Asn210His)

Gene: EXOSC9 (exosome component 9; plus strand). Cytogenetic location: 4q27.
Variant type: single nucleotide variant.
Coding change: c.628A>C on transcript NM_005033.3 (MANE Select); coding-DNA position 628, A replaced by C.
Protein change: p.Asn210His; replaces asparagine 210 with histidine.
Molecular consequence: missense variant.
Genome position (GRCh38, 1-based): chr4:121,809,989, A>C. VCF-style: chr4-121809989-A-C. GRCh37 (hg19) VCF-style: chr4-122731144-A-C.
Other names: c.628A>C, p.Asn210His (NM_001034194.2); short protein forms N210H.
Identifiers: ClinVar variation 2195671 (VCV002195671.1), dbSNP rs905668353, ClinGen allele CA104735535.